The following is an entry in ClinVar:

ClinVar aggregate classification (germline): Uncertain significance. Review status: criteria provided, multiple submitters, no conflicts (2 of 4 stars). 9 submissions from 7 submitters: Uncertain significance (9). Last evaluated 2024-08-06.

Conditions:
Amyotrophic lateral sclerosis type 5 (ALS5). Also called: AMYOTROPHIC LATERAL SCLEROSIS 5, JUVENILE. Identifiers: Orphanet 300605, MedGen C1865864, MONDO:0011196, OMIM 602099.
Inborn genetic diseases. Identifiers: MedGen C0950123, MeSH D030342.
Charcot-Marie-Tooth disease axonal type 2X. Also called: CHARCOT-MARIE-TOOTH DISEASE, AXONAL, AUTOSOMAL RECESSIVE, TYPE 2X; CHARCOT-MARIE-TOOTH NEUROPATHY, TYPE 2X. Identifiers: Orphanet 466775, MedGen C5569024, MONDO:0014726, OMIM 616668.
Hereditary spastic paraplegia 11. Also called: Nakamura Osame syndrome; Autosomal recessive hereditary spastic paraplegia, mental impairment, and thin corpus callosum; Spastic Paraplegia 11; Spastic paraplegia, mental retardation and thin corpus callosum; SPASTIC PARAPLEGIA, AUTOSOMAL RECESSIVE, COMPLICATED, WITH THIN CORPUS CALLOSUM; SPASTIC PARAPLEGIA, AUTOSOMAL RECESSIVE, WITH MENTAL IMPAIRMENT AND THIN CORPUS CALLOSUM. Identifiers: Orphanet 2822, MedGen C1858479, MONDO:0011445, OMIM 604360.

Allele frequency attached by ClinVar (database versions not stated): gnomAD 0.00008 and 0.00006; 1000 Genomes Project 30x 0.00047; gnomAD exomes 0.00007; TOPMed 0.00008; ExAC 0.00009; ESP Exome Variant Server 0.00031; 1000 Genomes Project 0.00040.
gnomAD v4.1: 48 of 1,614,072 alleles (0.003%); highest among the groups gnomAD compares: Middle Eastern, 0.016%; 1 homozygote.

Submissions (9):

GeneDx
Classification: Uncertain significance. Last evaluated: 2024-08-06. Review status: criteria provided, single submitter. Criteria: GeneDx Variant Classification Process June 2021. Collection method: clinical testing. Allele origin: germline.
Comment: In silico analysis indicates that this missense variant does not alter protein structure/function; Has not been previously published as pathogenic or benign to our knowledge

Mayo Clinic Laboratories, Mayo Clinic
Classification: Uncertain significance. Last evaluated: 2024-06-25. Review status: criteria provided, single submitter. Criteria: ACMG Guidelines, 2015. Collection method: clinical testing. Allele origin: germline. Observed: 1 variant allele.

Labcorp Genetics (formerly Invitae), Labcorp
Classification: Uncertain significance for Hereditary spastic paraplegia 11. Last evaluated: 2024-01-19. Review status: criteria provided, single submitter. Criteria: Invitae Variant Classification Sherloc (09022015). Collection method: clinical testing. Allele origin: germline.
Comment: This sequence change replaces alanine, which is neutral and non-polar, with threonine, which is neutral and polar, at codon 2142 of the SPG11 protein (p.Ala2142Thr). This variant is present in population databases (rs141035224, gnomAD 0.03%). This variant has not been reported in the literature in individuals affected with SPG11-related conditions. ClinVar contains an entry for this variant (Variation ID: 466556). Advanced modeling of protein sequence and biophysical properties (such as structural, functional, and spatial information, amino acid conservation, physicochemical variation, residue mobility, and thermodynamic stability) has been performed at Invitae for this missense variant, however the output from this modeling did not meet the statistical confidence thresholds required to predict the impact of this variant on SPG11 protein function. In summary, the available evidence is currently insufficient to determine the role of this variant in disease. Therefore, it has been classified as a Variant of Uncertain Significance.

Ambry Genetics
Classification: Uncertain significance for Inborn genetic diseases. Last evaluated: 2023-10-30. Review status: criteria provided, single submitter. Criteria: Ambry Variant Classification Scheme 2023. Collection method: clinical testing. Allele origin: germline.

Illumina Laboratory Services, Illumina
Classification: Uncertain significance for Hereditary spastic paraplegia 11. Last evaluated: 2018-01-12. Review status: criteria provided, single submitter. Criteria: ICSL Variant Classification Criteria 13 December 2019. Collection method: clinical testing. Allele origin: germline.

Breakthrough Genomics
Classification: Uncertain significance. Review status: criteria provided, single submitter. Criteria: ACMG Guidelines, 2015. Collection method: not provided. Allele origin: germline. Inheritance: Autosomal recessive inheritance. Affected: yes.

Genome-Nilou Lab
Classification: Uncertain significance for Amyotrophic lateral sclerosis type 5. Review status: criteria provided, single submitter. Criteria: ACMG Guidelines, 2015. Collection method: clinical testing. Allele origin: germline.

Genome-Nilou Lab
Classification: Uncertain significance for Charcot-Marie-Tooth disease axonal type 2X. Review status: criteria provided, single submitter. Criteria: ACMG Guidelines, 2015. Collection method: clinical testing. Allele origin: germline.

Genome-Nilou Lab
Classification: Uncertain significance for Hereditary spastic paraplegia 11. Review status: criteria provided, single submitter. Criteria: ACMG Guidelines, 2015. Collection method: clinical testing. Allele origin: germline.

NM_025137.4(SPG11):c.6424G>A (p.Ala2142Thr)

Gene: SPG11 (SPG11 vesicle trafficking associated, spatacsin; minus strand). Cytogenetic location: 15q21.1.
Variant type: single nucleotide variant.
Coding change: c.6424G>A on transcript NM_025137.4 (MANE Select); coding-DNA position 6424, G replaced by A.
Protein change: p.Ala2142Thr; replaces alanine 2142 with threonine.
Molecular consequence: missense variant.
Genome position (GRCh38, 1-based): chr15:44,570,578, C>T on the plus strand (G>A on the coding strand, the complement: SPG11 is on the minus strand). VCF-style: chr15-44570578-C-T. GRCh37 (hg19) VCF-style: chr15-44862776-C-T.
Other names: p.Ala2142Thr; c.6085G>A, p.Ala2029Thr (NM_001160227.2); short protein forms A2142T, A2029T.
Identifiers: ClinVar variation 466556 (VCV000466556.16), dbSNP rs141035224, ClinGen allele CA7534136.